The following is an entry in ClinVar:

NM_001048174.2(MUTYH):c.1389A>C (p.Lys463Asn)

Gene: MUTYH (mutY DNA glycosylase; minus strand). Cytogenetic location: 1p34.1.
Variant type: single nucleotide variant.
Coding change: c.1389A>C on transcript NM_001048174.2 (MANE Select); coding-DNA position 1389, A replaced by C.
Protein change: p.Lys463Asn; replaces lysine 463 with asparagine.
Molecular consequence: missense variant. On other transcripts: non-coding transcript variant (7).
Genome position (GRCh38, 1-based): chr1:45,331,185, T>G on the plus strand (A>C on the coding strand, the complement: MUTYH is on the minus strand). VCF-style: chr1-45331185-T-G. GRCh37 (hg19) VCF-style: chr1-45796857-T-G.
Other names: c.1389A>C, p.Lys463Asn (NM_001048171.2, NM_001048173.2, NM_001293195.2 and 6 more transcripts); c.1392A>C, p.Lys464Asn (NM_001048172.2, NM_001407071.1, NM_001407086.1 and 1 more transcripts); c.1473A>C, p.Lys491Asn (NM_001128425.2); c.1434A>C, p.Lys478Asn (NM_001293190.2); c.1422A>C, p.Lys474Asn (NM_001293191.2, NM_001407069.1, NM_001407077.1); c.1113A>C, p.Lys371Asn (NM_001293192.2, NM_001293196.2, NM_001407091.1); c.1044A>C, p.Lys348Asn (NM_001350650.2, NM_001350651.2, NM_001407082.1); c.1305A>C, p.Lys435Asn (NM_001407075.1); and 5 more; short protein forms K371N, K470N, K477N, K348N, K435N, K488N, K463N, K474N.
Identifiers: ClinVar variation 4113996 (VCV004113996.1).
Genomic context (GRCh38, chr1:45,331,185, plus strand): 5'-TCATGTAGAACATGTAGGAAACACAAGGAAGTACAACAAAGACAACAAAGGTAGTGCCTT[T>G]TTCATGGCGGTGGAAACAGCTGCGGTGTGAAATTCCTCCTGCGTCAGCCAGCGAGCACCT-3'
Protein context (NP_001041639.1, residues 453-473): FHTAAVSTAM[Lys463Asn]KVFRVYQGQQ

ClinVar aggregate classification (germline): Uncertain significance (1 of 4 stars; one submission).

Conditions:
Hereditary cancer-predisposing syndrome. Also called: Hereditary neoplastic syndrome; Neoplastic Syndromes, Hereditary; Tumor predisposition; Hereditary Cancer Syndrome. Identifiers: Orphanet 140162, MedGen C0027672, MeSH D009386, MONDO:0015356.

Submission:

Ambry Genetics
Classification: Uncertain significance for Hereditary cancer-predisposing syndrome. Last evaluated: 2025-09-11. Review status: criteria provided, single submitter. Criteria: Ambry Variant Classification Scheme 2023. Collection method: clinical testing. Allele origin: germline.
Comment: The p.K491N variant (also known as c.1473A>C), located in coding exon 14 of the MUTYH gene, results from an A to C substitution at nucleotide position 1473. The lysine at codon 491 is replaced by asparagine, an amino acid with similar properties. This amino acid position is conserved. In addition, the in silico prediction for this alteration is inconclusive. Based on the available evidence, the clinical significance of this variant remains unclear.